The following is an entry in ClinVar:

ClinVar aggregate classification (germline): Uncertain significance. Review status: criteria provided, multiple submitters, no conflicts (2 of 4 stars). 2 submissions from 2 submitters: Uncertain significance (2). Last evaluated 2024-04-07.

Allele frequency attached by ClinVar (database versions not stated): gnomAD 0.00001.
gnomAD v4.1: 21 of 1,613,366 alleles (0.0013%); highest among the groups gnomAD compares: East Asian, 0.018%; no homozygotes.

Submissions (2):

Labcorp Genetics (formerly Invitae), Labcorp
Classification: Uncertain significance. Last evaluated: 2024-04-07. Review status: criteria provided, single submitter. Criteria: Invitae Variant Classification Sherloc (09022015). Collection method: clinical testing. Allele origin: germline.
Comment: This sequence change replaces threonine, which is neutral and polar, with methionine, which is neutral and non-polar, at codon 723 of the CNGB1 protein (p.Thr723Met). This variant is present in population databases (rs768853177, gnomAD 0.02%). This variant has not been reported in the literature in individuals affected with CNGB1-related conditions. ClinVar contains an entry for this variant (Variation ID: 1503436). Algorithms developed to predict the effect of missense changes on protein structure and function output the following: SIFT: "Not Available"; PolyPhen-2: "Benign"; Align-GVGD: "Not Available". The methionine amino acid residue is found in multiple mammalian species, which suggests that this missense change does not adversely affect protein function. In summary, the available evidence is currently insufficient to determine the role of this variant in disease. Therefore, it has been classified as a Variant of Uncertain Significance.

Blueprint Genetics
Classification: Uncertain significance. Last evaluated: 2023-10-10. Review status: criteria provided, single submitter. Criteria: ACMG Guidelines, 2015. Collection method: clinical testing. Allele origin: germline.

NM_001297.5(CNGB1):c.2168C>T (p.Thr723Met)

Gene: CNGB1 (cyclic nucleotide gated channel subunit beta 1; minus strand). Cytogenetic location: 16q21.
Variant type: single nucleotide variant.
Coding change: c.2168C>T on transcript NM_001297.5 (MANE Select); coding-DNA position 2168, C replaced by T.
Protein change: p.Thr723Met; replaces threonine 723 with methionine.
Molecular consequence: missense variant.
Genome position (GRCh38, 1-based): chr16:57,916,178, G>A on the plus strand (C>T on the coding strand, the complement: CNGB1 is on the minus strand). VCF-style: chr16-57916178-G-A. GRCh37 (hg19) VCF-style: chr16-57950082-G-A.
Other names: c.2150C>T, p.Thr717Met (NM_001286130.2); short protein forms T717M, T723M.
Identifiers: ClinVar variation 1503436 (VCV001503436.7), dbSNP rs768853177, ClinGen allele CA8083136.
Genomic context (GRCh38, chr16:57,916,178, plus strand): 5'-CCGGCACACACCTTGAAGCGGCGAGACTTCAGGTAGTTATTTCGCATGTCCTTTTTGTCC[G>A]TCTGAAAGAAAGGGAATGATGATGGTGAAATGACCTTACAGCTTAATCTCTGACCCTGTG-3'
Protein context (NP_001288.3, residues 713-733): LQFVRGGDII[Thr723Met]DKKDMRNNYL